The following is an entry in ClinVar:

NM_000459.5(TEK):c.3094G>C (p.Val1032Leu)

Gene: TEK (TEK receptor tyrosine kinase; plus strand). Cytogenetic location: 9p21.2.
Variant type: single nucleotide variant.
Coding change: c.3094G>C on transcript NM_000459.5 (MANE Select); coding-DNA position 3094, G replaced by C.
Protein change: p.Val1032Leu; replaces valine 1032 with leucine.
Molecular consequence: missense variant.
Genome position (GRCh38, 1-based): chr9:27,218,808, G>C. VCF-style: chr9-27218808-G-C. GRCh37 (hg19) VCF-style: chr9-27218806-G-C.
Other names: c.2965G>C, p.Val989Leu (NM_001290077.2); c.2650G>C, p.Val884Leu (NM_001290078.2); c.3091G>C, p.Val1031Leu (NM_001375475.1); c.2962G>C, p.Val988Leu (NM_001375476.1); short protein forms V1031L, V1032L, V884L, V988L, V989L.
Identifiers: ClinVar variation 2745108 (VCV002745108.4), dbSNP rs2489004242, ClinGen allele CA373127426.

ClinVar aggregate classification (germline): Uncertain significance. Review status: criteria provided, multiple submitters, no conflicts (2 of 4 stars). 2 submissions from 2 submitters: Uncertain significance (2). Last evaluated 2023-10-13.

Submissions (2):

Labcorp Genetics (formerly Invitae), Labcorp
Classification: Uncertain significance. Last evaluated: 2023-10-13. Review status: criteria provided, single submitter. Criteria: Invitae Variant Classification Sherloc (09022015). Collection method: clinical testing. Allele origin: germline.
Comment: This sequence change replaces valine, which is neutral and non-polar, with leucine, which is neutral and non-polar, at codon 1032 of the TEK protein (p.Val1032Leu). This variant is not present in population databases (gnomAD no frequency). This missense change has been observed in individual(s) with clinical features of autosomal dominant multiple cutaneous and mucosal venous malformations (Invitae). It has also been observed to segregate with disease in related individuals. Advanced modeling of protein sequence and biophysical properties (such as structural, functional, and spatial information, amino acid conservation, physicochemical variation, residue mobility, and thermodynamic stability) performed at Invitae indicates that this missense variant is not expected to disrupt TEK protein function. In summary, the available evidence is currently insufficient to determine the role of this variant in disease. Therefore, it has been classified as a Variant of Uncertain Significance.

Blueprint Genetics
Classification: Uncertain significance. Last evaluated: 2022-11-09. Review status: criteria provided, single submitter. Criteria: ACMG Guidelines, 2015. Collection method: clinical testing. Allele origin: germline.